The following is an entry in ClinVar:

NM_024675.4(PALB2):c.2358dup (p.Thr787fs)

Gene: PALB2 (partner and localizer of BRCA2; minus strand). Cytogenetic location: 16p12.2.
Variant type: Duplication.
Coding change: c.2358dup on transcript NM_024675.4 (MANE Select); coding-DNA position 2358, one base duplicated (T; older notation c.2358dupT).
Protein change: p.Thr787fs; shifts the reading frame from threonine 787.
Molecular consequence: frameshift variant.
Genome position (GRCh38, 1-based): chr16:23,629,796, A duplicated on the plus strand (T on the coding strand, the reverse complement: PALB2 is on the minus strand). VCF-style (leftmost placement, unchanged base first): chr16-23629795-T-TA. GRCh37 (hg19) VCF-style: chr16-23641116-T-TA.
Other names: short protein forms T787fs.
Identifiers: ClinVar variation 821149 (VCV000821149.4), dbSNP rs1597089246, ClinGen allele CA915949183.

ClinVar aggregate classification (germline): Pathogenic (1 of 4 stars; one submission).

Conditions:
Hereditary cancer-predisposing syndrome. Also called: Neoplastic Syndromes, Hereditary; Tumor predisposition; Hereditary Cancer Syndrome; Hereditary neoplastic syndrome. Identifiers: Orphanet 140162, MedGen C0027672, MeSH D009386, MONDO:0015356.

Submission:

Ambry Genetics
Classification: Pathogenic for Hereditary cancer-predisposing syndrome. Last evaluated: 2019-05-29. Review status: criteria provided, single submitter. Criteria: Ambry Variant Classification Scheme 2023. Collection method: clinical testing. Allele origin: germline.
Comment: The c.2358dupT pathogenic mutation, located in coding exon 5 of the PALB2 gene, results from a duplication of T at nucleotide position 2358, causing a translational frameshift with a predicted alternate stop codon (p.T787Yfs*15). This alteration is expected to result in loss of function by premature protein truncation or nonsense-mediated mRNA decay. As such, this alteration is interpreted as a disease-causing mutation.